The following is an entry in ClinVar:

NM_006648.4(WNK2):c.3797A>G (p.Asp1266Gly)

Gene: WNK2 (WNK lysine deficient protein kinase 2; plus strand). Cytogenetic location: 9q22.31.
Variant type: single nucleotide variant.
Coding change: c.3797A>G on transcript NM_006648.4 (MANE Select); coding-DNA position 3797, A replaced by G.
Protein change: p.Asp1266Gly; replaces aspartic acid 1266 with glycine.
Molecular consequence: missense variant.
Genome position (GRCh38, 1-based): chr9:93,267,846, A>G. VCF-style: chr9-93267846-A-G. GRCh37 (hg19) VCF-style: chr9-96030128-A-G.
Other names: c.3797A>G, p.Asp1266Gly (NM_001282394.3); short protein forms D1266G.
Identifiers: ClinVar variation 4201810 (VCV004201810.1).

ClinVar aggregate classification (germline): Uncertain significance (1 of 4 stars; one submission).

Submission:

Ambry Genetics
Classification: Uncertain significance. Last evaluated: 2025-08-24. Review status: criteria provided, single submitter. Criteria: Ambry Variant Classification Scheme 2023. Collection method: clinical testing. Allele origin: germline.
Comment: The p.D1266G variant (also known as c.3797A>G), located in coding exon 16 of the WNK2 gene, results from an A to G substitution at nucleotide position 3797. The aspartic acid at codon 1266 is replaced by glycine, an amino acid with similar properties. This amino acid position is conserved. In addition, this alteration is predicted to be tolerated by in silico analysis. Based on the available evidence, the clinical significance of this variant remains unclear.